The following is an entry in ClinVar:

NM_001355436.2(SPTB):c.3016G>A (p.Ala1006Thr)

Gene: SPTB (spectrin beta, erythrocytic; minus strand). Cytogenetic location: 14q23.3.
Variant type: single nucleotide variant.
Coding change: c.3016G>A on transcript NM_001355436.2 (MANE Select); coding-DNA position 3016, G replaced by A.
Protein change: p.Ala1006Thr; replaces alanine 1006 with threonine.
Molecular consequence: missense variant.
Genome position (GRCh38, 1-based): chr14:64,786,949, C>T on the plus strand (G>A on the coding strand, the complement: SPTB is on the minus strand). VCF-style: chr14-64786949-C-T. GRCh37 (hg19) VCF-style: chr14-65253667-C-T.
Other names: c.3016G>A, p.Ala1006Thr (NM_001024858.4, NM_001355437.2); short protein forms A1006T.
Identifiers: ClinVar variation 1163080 (VCV001163080.10), dbSNP rs151112486, ClinGen allele CA7230710.

ClinVar aggregate classification (germline): Conflicting classifications of pathogenicity. Review status: criteria provided, conflicting classifications (1 of 4 stars). 3 submissions from 3 submitters: Uncertain significance (1); Likely benign (2). Last evaluated 2025-12-18.

Allele frequency attached by ClinVar (database versions not stated): gnomAD 0.00051 and 0.00049; TOPMed 0.00041; ExAC 0.00059; ESP Exome Variant Server 0.00115.
gnomAD v4.1: 1,005 of 1,613,644 alleles (0.062%); highest among the groups gnomAD compares: Non-Finnish European, 0.069%; no homozygotes.

Submissions (3):

Labcorp Genetics (formerly Invitae), Labcorp
Classification: Likely benign. Last evaluated: 2025-12-18. Review status: criteria provided, single submitter. Criteria: Invitae Variant Classification Sherloc (09022015). Collection method: clinical testing. Allele origin: germline.

Mayo Clinic Laboratories, Mayo Clinic
Classification: Uncertain significance. Last evaluated: 2025-07-11. Review status: criteria provided, single submitter. Criteria: ACMG Guidelines, 2015. Collection method: clinical testing. Allele origin: germline. Observed: 5 variant alleles.
Comment: PM2_moderate

ARUP Laboratories, Molecular Genetics and Genomics, ARUP Laboratories
Classification: Likely benign. Last evaluated: 2024-08-15. Review status: criteria provided, single submitter. Criteria: ARUP Molecular Germline Variant Investigation Process 2024. Collection method: clinical testing. Allele origin: germline.

Literature cited by the submitters: PubMed 25773295 (cited by Mayo Clinic Laboratories, Mayo Clinic).